The following is an entry in ClinVar:

ClinVar aggregate classification (germline): Likely benign (0 of 4 stars; one submission).

Conditions:
SHANK1-related disorder. Also called: SHANK1-related condition.

Allele frequency attached by ClinVar (database versions not stated): gnomAD 0.00001; gnomAD exomes 0.00001; TOPMed 0.00002; ExAC 0.00004.
gnomAD v4.1: 19 of 1,562,198 alleles (0.0012%); highest among the groups gnomAD compares: Middle Eastern, 0.017%; no homozygotes.

Submission:

PreventionGenetics, part of Exact Sciences
Classification: Likely benign for SHANK1-related condition. Last evaluated: 2021-05-24. Review status: no assertion criteria provided. Collection method: clinical testing. Allele origin: germline.
Comment: This variant is classified as likely benign based on ACMG/AMP sequence variant interpretation guidelines (Richards et al. 2015 PMID: 25741868, with internal and published modifications).

NM_016148.5(SHANK1):c.5889T>C (p.Ala1963=)

Gene: SHANK1 (SH3 and multiple ankyrin repeat domains 1; minus strand). Cytogenetic location: 19q13.33.
Variant type: single nucleotide variant.
Coding change: c.5889T>C on transcript NM_016148.5 (MANE Select); coding-DNA position 5889, T replaced by C.
Protein change: p.Ala1963=; no amino-acid change (alanine 1963 retained).
Molecular consequence: synonymous variant.
Genome position (GRCh38, 1-based): chr19:50,662,562, A>G on the plus strand (T>C on the coding strand, the complement: SHANK1 is on the minus strand). VCF-style: chr19-50662562-A-G. GRCh37 (hg19) VCF-style: chr19-51165819-A-G.
Identifiers: ClinVar variation 3047728 (VCV003047728.2), dbSNP rs778469285, ClinGen allele CA9600922.
Genomic context (GRCh38, chr19:50,662,562, plus strand): 5'-GAGGTGGCGGGTGGACGTGGAGGAGGAGGAGGCTGAGGGTGAGGTGGCCCCTGGGGCCGC[A>G]GCGGCTGTAGGGGAGACCCCTGTTCCGGTGGGGAGTGGCGGCAGAGGTGGTTTGGGCCAG-3'
Protein context (NP_057232.2, residues 1953-1973): PTGTGVSPTA[Ala1963=]AAPGATSPSA